The following is an entry in ClinVar:

ClinVar aggregate classification (germline): Uncertain significance (1 of 4 stars; one submission).

Conditions:
Alzheimer disease 3 (AD3). Also called: ALZHEIMER DISEASE, FAMILIAL, 3. Identifiers: Orphanet 1020, MedGen C1843013, MONDO:0011913, OMIM 607822.
Pick disease. Also called: Pick's disease; LOBAR ATROPHY OF BRAIN; Pick Disease of the Brain; PICK DISEASE OF BRAIN; DEMENTIA WITH LOBAR ATROPHY AND NEURONAL CYTOPLASMIC INCLUSIONS. Identifiers: Orphanet 282, MedGen C0236642, MONDO:0008243, OMIM 172700.
Acne inversa, familial, 3 (ACNINV3). Identifiers: MedGen C3151038, MONDO:0013398, OMIM 613737.
Frontotemporal dementia (FTD1). Also called: WILHELMSEN-LYNCH DISEASE; FRONTOTEMPORAL LOBAR DEGENERATION WITH TAU INCLUSIONS; FTLD WITH TAU INCLUSIONS; Dementia, frontotemporal, with or without parkinsonism; Frontotemporal Dementia with Parkinsonism-17 (FTDP-17); MULTIPLE SYSTEM TAUOPATHY WITH PRESENILE DEMENTIA. Identifiers: Orphanet 282, MedGen C0338451, MONDO:0017276, OMIM 600274, HP:0002145.

Allele frequency attached by ClinVar (database versions not stated): gnomAD exomes below 0.00001; TOPMed below 0.00001.
gnomAD v4.1: 4 of 1,613,746 alleles (0.00025%); highest among the groups gnomAD compares: South Asian, 0.0022%; 1 homozygote.

Submission:

Labcorp Genetics (formerly Invitae), Labcorp
Classification: Uncertain significance for Alzheimer disease 3; Pick disease; Acne inversa, familial, 3; Frontotemporal dementia. Last evaluated: 2018-09-20. Review status: criteria provided, single submitter. Criteria: Invitae Variant Classification Sherloc (09022015). Collection method: clinical testing. Allele origin: germline.
Comment: In summary, the available evidence is currently insufficient to determine the role of this variant in disease. Therefore, it has been classified as a Variant of Uncertain Significance. Algorithms developed to predict the effect of missense changes on protein structure and function are either unavailable or do not agree on the potential impact of this missense change (SIFT: "Tolerated"; PolyPhen-2: "Possibly Damaging"; Align-GVGD: "Class C0"). This variant has not been reported in the literature in individuals with PSEN1-related disease. This variant is not present in population databases (ExAC no frequency). This sequence change replaces methionine with valine at codon 457 of the PSEN1 protein (p.Met457Val). The methionine residue is highly conserved and there is a small physicochemical difference between methionine and valine.

NM_000021.4(PSEN1):c.1369A>G (p.Met457Val)

Gene: PSEN1 (presenilin 1; plus strand). Cytogenetic location: 14q24.2.
Variant type: single nucleotide variant.
Coding change: c.1369A>G on transcript NM_000021.4 (MANE Select); coding-DNA position 1369, A replaced by G.
Protein change: p.Met457Val; replaces methionine 457 with valine.
Molecular consequence: missense variant.
Genome position (GRCh38, 1-based): chr14:73,219,254, A>G. VCF-style: chr14-73219254-A-G. GRCh37 (hg19) VCF-style: chr14-73685962-A-G.
Other names: c.1357A>G, p.Met453Val (NM_007318.3); short protein forms M453V, M457V.
Identifiers: ClinVar variation 650645 (VCV000650645.9), dbSNP rs1430581353, ClinGen allele CA390306206.